The following is an entry in ClinVar:

NM_003072.5(SMARCA4):c.4799G>T (p.Gly1600Val)

Gene: SMARCA4 (SWI/SNF related BAF chromatin remodeling complex subunit ATPase 4; plus strand). Cytogenetic location: 19p13.2.
Variant type: single nucleotide variant.
Coding change: c.4799G>T on transcript NM_003072.5 (MANE Select); coding-DNA position 4799, G replaced by T.
Protein change: p.Gly1600Val; replaces glycine 1600 with valine.
Molecular consequence: missense variant. On other transcripts: non-coding transcript variant (1).
Genome position (GRCh38, 1-based): chr19:11,060,075, G>T. VCF-style: chr19-11060075-G-T. GRCh37 (hg19) VCF-style: chr19-11170751-G-T.
Other names: c.4799G>T, p.Gly1600Val (NM_001128844.3); c.4709G>T, p.Gly1570Val (NM_001128845.2); c.4706G>T, p.Gly1569Val (NM_001128846.2); c.4700G>T, p.Gly1567Val (NM_001128847.4, NM_001374457.1); c.4697G>T, p.Gly1566Val (NM_001128848.2); c.4895G>T, p.Gly1632Val (NM_001128849.3, NM_001387283.1); c.4796G>T, p.Gly1599Val (NM_001411150.1); short protein forms G1566V, G1567V, G1569V, G1570V, G1599V, G1600V, G1632V.
Identifiers: ClinVar variation 4864791 (VCV004864791.1).
Genomic context (GRCh38, chr19:11,060,075, plus strand): 5'-AGGCTGTCTTTCCCTCCCGGTCCCCTCCAGCTCGGTCCGTCAAAGTGAAGATCAAGCTTG[G>T]CCGGAAGGAGAAGGCACAGGACCGGCTGAAGGGCGGCCGGCGGCGGCCGAGCCGAGGGTC-3'
Protein context (NP_003063.2, residues 1590-1610): SRSVKVKIKL[Gly1600Val]RKEKAQDRLK

ClinVar aggregate classification (germline): Uncertain significance (1 of 4 stars; one submission).

Conditions:
Hereditary cancer-predisposing syndrome. Also called: Neoplastic Syndromes, Hereditary; Tumor predisposition; Hereditary Cancer Syndrome; Hereditary neoplastic syndrome. Identifiers: Orphanet 140162, MedGen C0027672, MeSH D009386, MONDO:0015356.

Submission:

Ambry Genetics
Classification: Uncertain significance for Hereditary cancer-predisposing syndrome. Last evaluated: 2026-05-24. Review status: criteria provided, single submitter. Criteria: Ambry Variant Classification Scheme 2023. Collection method: clinical testing. Allele origin: germline.
Comment: The p.G1632V variant (also known as c.4895G>T), located in coding exon 34 of the SMARCA4 gene, results from a G to T substitution at nucleotide position 4895. The glycine at codon 1632 is replaced by valine, an amino acid with dissimilar properties. This amino acid position is conserved. In addition, the in silico prediction for this alteration is inconclusive. Based on the available evidence, the clinical significance of this variant remains unclear.